The following is an entry in ClinVar:

ClinVar aggregate classification (germline): Uncertain significance (1 of 4 stars; one submission).

gnomAD v4.1: 1 of 1,545,166 alleles (0.000065%); highest among the groups gnomAD compares: Non-Finnish European, 0.000088%; no homozygotes.

Submission:

CeGaT Center for Human Genetics Tuebingen
Classification: Uncertain significance. Last evaluated: 2026-06-01. Review status: criteria provided, single submitter. Criteria: CeGaT Center For Human Genetics Tuebingen Variant Classification Criteria Version 2. Collection method: clinical testing. Allele origin: germline. Affected: yes. Observed: 1 variant allele.
Comment: MORC2: PM2, PP2, PP3

NM_001303256.3(MORC2):c.128C>G (p.Ala43Gly)

Gene: MORC2 (MORC family CW-type zinc finger 2; minus strand). Cytogenetic location: 22q12.2.
Variant type: single nucleotide variant.
Coding change: c.128C>G on transcript NM_001303256.3 (MANE Select); coding-DNA position 128, C replaced by G.
Protein change: p.Ala43Gly; replaces alanine 43 with glycine.
Molecular consequence: missense variant. On other transcripts: 5 prime UTR variant (1).
Genome position (GRCh38, 1-based): chr22:30,956,792, G>C on the plus strand (C>G on the coding strand, the complement: MORC2 is on the minus strand). VCF-style: chr22-30956792-G-C. GRCh37 (hg19) VCF-style: chr22-31352778-G-C.
Other names: c.128C>G, p.Ala43Gly (NM_001303257.2); c.-59C>G (NM_014941.3); short protein forms A43G.
Identifiers: ClinVar variation 4875307 (VCV004875307.2).